The following is an entry in ClinVar:

ClinVar aggregate classification (germline): Uncertain significance (1 of 4 stars; one submission).

Conditions:
Jeune thoracic dystrophy. Also called: Jeune syndrome; Infantile thoracic dystrophy; Thoracic pelvic phalangeal dystrophy; Jeune's syndrome; Chondroectodermal dysplasia-like syndrome; Short-rib thoracic dysplasia. Identifiers: Orphanet 474, MedGen C0265275, MONDO:0018770.
Nephronophthisis. Also called: Juvenile Nephronophthisis. Identifiers: Orphanet 655, MedGen C0687120, MONDO:0019005, HP:0000090.

gnomAD v4.1: 1 of 1,608,582 alleles (0.000062%); highest among the groups gnomAD compares: Non-Finnish European, 0.000085%; no homozygotes.

Submission:

Labcorp Genetics (formerly Invitae), Labcorp
Classification: Uncertain significance for Jeune thoracic dystrophy; Nephronophthisis. Last evaluated: 2022-07-06. Review status: criteria provided, single submitter. Criteria: Invitae Variant Classification Sherloc (09022015). Collection method: clinical testing. Allele origin: germline.
Comment: In summary, the available evidence is currently insufficient to determine the role of this variant in disease. Therefore, it has been classified as a Variant of Uncertain Significance. Algorithms developed to predict the effect of sequence changes on RNA splicing suggest that this variant may create or strengthen a splice site. Algorithms developed to predict the effect of missense changes on protein structure and function are either unavailable or do not agree on the potential impact of this missense change (SIFT: "Deleterious"; PolyPhen-2: "Benign"; Align-GVGD: "Class C0"). ClinVar contains an entry for this variant (Variation ID: 1400555). This variant has not been reported in the literature in individuals affected with TTC21B-related conditions. This variant is not present in population databases (gnomAD no frequency). This sequence change replaces serine, which is neutral and polar, with cysteine, which is neutral and slightly polar, at codon 394 of the TTC21B protein (p.Ser394Cys).

NM_024753.5(TTC21B):c.1181C>G (p.Ser394Cys)

Gene: TTC21B (tetratricopeptide repeat domain 21B; minus strand). Cytogenetic location: 2q24.3.
Variant type: single nucleotide variant.
Coding change: c.1181C>G on transcript NM_024753.5 (MANE Select); coding-DNA position 1181, C replaced by G.
Protein change: p.Ser394Cys; replaces serine 394 with cysteine.
Molecular consequence: missense variant.
Genome position (GRCh38, 1-based): chr2:165,929,654, G>C on the plus strand (C>G on the coding strand, the complement: TTC21B is on the minus strand). VCF-style: chr2-165929654-G-C. GRCh37 (hg19) VCF-style: chr2-166786164-G-C.
Other names: short protein forms S394C.
Identifiers: ClinVar variation 1400555 (VCV001400555.9), dbSNP rs748339995, ClinGen allele CA349065966.
Genomic context (GRCh38, chr2:165,929,654, plus strand): 5'-ATTTCATATTTTATAAACAGCTAGCATCTACCAGCTGATAAAATAAAATACTGTACCGCA[G>C]ATTTTCCAATGGATTGCTGGATTTCATTTAAAAATTCTAGCTGCTGATCTGCATCCTGTA-3'
Protein context (NP_079029.3, residues 384-404): LNEIQQSIGK[Ser394Cys]AELIYLHAVL